The following is an entry in ClinVar:

NM_000052.7(ATP7A):c.1127C>A (p.Thr376Lys)

Gene: ATP7A (ATPase copper transporting alpha; plus strand). Cytogenetic location: Xq21.1.
Variant type: single nucleotide variant.
Coding change: c.1127C>A on transcript NM_000052.7 (MANE Select); coding-DNA position 1127, C replaced by A.
Protein change: p.Thr376Lys; replaces threonine 376 with lysine.
Molecular consequence: missense variant.
Genome position (GRCh38, 1-based): chrX:77,989,749, C>A. VCF-style: chrX-77989749-C-A. GRCh37 (hg19) VCF-style: chrX-77245245-C-A.
Other names: c.1127C>A, p.Thr376Lys (NM_001282224.2); short protein forms T376K.
Identifiers: ClinVar variation 1023459 (VCV001023459.11), dbSNP rs2077659011, ClinGen allele CA413601868.
Genomic context (GRCh38, chrX:77,989,749, plus strand): 5'-ACTCTCCCTCCAGCTCATCTCTTCAGAAGATTCCTTTGAATGTAGTTAGCCAGCCTCTGA[C>A]ACAAGAAACTGTGATAAACATTGATGGCATGACTTGTAATTCCTGTGTGCAGTCTATTGA-3'
Protein context (NP_000043.4, residues 366-386): IPLNVVSQPL[Thr376Lys]QETVINIDGM

ClinVar aggregate classification (germline): Conflicting classifications of pathogenicity. Review status: criteria provided, conflicting classifications (1 of 4 stars). 2 submissions from 2 submitters: Uncertain significance (1); Likely benign (1). Last evaluated 2024-09-20.

Conditions:
X-linked distal spinal muscular atrophy type 3. Also called: SPINAL MUSCULAR ATROPHY, DISTAL, X-LINKED RECESSIVE; NEURONOPATHY, DISTAL HEREDITARY MOTOR, X-LINKED; NEUROPATHY, DISTAL HEREDITARY MOTOR, X-LINKED; ATP7A-Related Distal Motor Neuropathy. Identifiers: Orphanet 139557, MedGen C1845359, MONDO:0010338, OMIM 300489.
Menkes kinky-hair syndrome (MNK). Also called: Classic Menkes Disease; Menkes Disease; Copper transport disease. Identifiers: Orphanet 565, MedGen C0022716, MONDO:0010651, OMIM 309400.
Cutis laxa, X-linked (OHS). Also called: EDS IX; Occipital horn syndrome. Identifiers: Orphanet 198, MedGen C0268353, MONDO:0010572, OMIM 304150.

Submissions (2):

3billion
Classification: Likely benign for Menkes kinky-hair syndrome; X-linked distal spinal muscular atrophy type 3; Cutis laxa, X-linked. Last evaluated: 2024-09-20. Review status: criteria provided, single submitter. Criteria: ACMG Guidelines, 2015. Collection method: clinical testing. Allele origin: germline. Affected: no.
Comment: The hemizygous variant was found in patients with no symptoms related to the gene containing the hemizygous variant.

Labcorp Genetics (formerly Invitae), Labcorp
Classification: Uncertain significance for X-linked distal spinal muscular atrophy type 3; Cutis laxa, X-linked; Menkes kinky-hair syndrome. Last evaluated: 2024-07-19. Review status: criteria provided, single submitter. Criteria: Invitae Variant Classification Sherloc (09022015). Collection method: clinical testing. Allele origin: germline.
Comment: This sequence change replaces threonine, which is neutral and polar, with lysine, which is basic and polar, at codon 376 of the ATP7A protein (p.Thr376Lys). This variant is not present in population databases (gnomAD no frequency). This variant has not been reported in the literature in individuals affected with ATP7A-related conditions. ClinVar contains an entry for this variant (Variation ID: 1023459). Advanced modeling of protein sequence and biophysical properties (such as structural, functional, and spatial information, amino acid conservation, physicochemical variation, residue mobility, and thermodynamic stability) performed at Invitae indicates that this missense variant is not expected to disrupt ATP7A protein function with a negative predictive value of 95%. In summary, the available evidence is currently insufficient to determine the role of this variant in disease. Therefore, it has been classified as a Variant of Uncertain Significance.